The following is an entry in ClinVar:

ClinVar aggregate classification (germline): Uncertain significance. Review status: criteria provided, multiple submitters, no conflicts (2 of 4 stars). 2 submissions from 2 submitters: Uncertain significance (2). Last evaluated 2025-12-09.

Conditions:
Inborn genetic diseases. Identifiers: MedGen C0950123, MeSH D030342.

Allele frequency attached by ClinVar (database versions not stated): gnomAD 0.00001; gnomAD exomes 0.00001; TOPMed 0.00001.
gnomAD v4.1: 20 of 1,614,082 alleles (0.0012%); highest among the groups gnomAD compares: Non-Finnish European, 0.0015%; no homozygotes.

Submissions (2):

Ambry Genetics
Classification: Uncertain significance for Inborn genetic diseases. Last evaluated: 2025-12-09. Review status: criteria provided, single submitter. Criteria: Ambry Variant Classification Scheme 2023. Collection method: clinical testing. Allele origin: germline.

Labcorp Genetics (formerly Invitae), Labcorp
Classification: Uncertain significance. Last evaluated: 2025-03-19. Review status: criteria provided, single submitter. Criteria: Invitae Variant Classification Sherloc (09022015). Collection method: clinical testing. Allele origin: germline.
Comment: This sequence change replaces glutamic acid, which is acidic and polar, with aspartic acid, which is acidic and polar, at codon 2099 of the PRPF8 protein (p.Glu2099Asp). This variant is not present in population databases (gnomAD no frequency). This variant has not been reported in the literature in individuals affected with PRPF8-related conditions. ClinVar contains an entry for this variant (Variation ID: 1000319). Invitae Evidence Modeling of protein sequence and biophysical properties (such as structural, functional, and spatial information, amino acid conservation, physicochemical variation, residue mobility, and thermodynamic stability) indicates that this missense variant is not expected to disrupt PRPF8 protein function with a negative predictive value of 80%. In summary, the available evidence is currently insufficient to determine the role of this variant in disease. Therefore, it has been classified as a Variant of Uncertain Significance.

NM_006445.4(PRPF8):c.6297G>C (p.Glu2099Asp)

Gene: PRPF8 (pre-mRNA processing factor 8; minus strand). Cytogenetic location: 17p13.3.
Variant type: single nucleotide variant.
Coding change: c.6297G>C on transcript NM_006445.4 (MANE Select); coding-DNA position 6297, G replaced by C.
Protein change: p.Glu2099Asp; replaces glutamic acid 2099 with aspartic acid.
Molecular consequence: missense variant.
Genome position (GRCh38, 1-based): chr17:1,653,614, C>G on the plus strand (G>C on the coding strand, the complement: PRPF8 is on the minus strand). VCF-style: chr17-1653614-C-G. GRCh37 (hg19) VCF-style: chr17-1556908-C-G.
Other names: c.6297G>C (NM_006445.3); short protein forms E2099D.
Identifiers: ClinVar variation 1000319 (VCV001000319.6), dbSNP rs1463152553, ClinGen allele CA397566652.